The following is an entry in ClinVar:

ClinVar aggregate classification (germline): Pathogenic (1 of 4 stars; one submission).

Submission:

ISCA site 14
Classification: Pathogenic. Last evaluated: 2011-08-12. Review status: criteria provided, single submitter. Criteria: Kaminsky et al. (Genet Med. 2011). Collection method: clinical testing. Allele origin: de novo. Affected: yes. Observed: 1 variant allele.
Comment: Copy number variation identified through the course of routine clinical cytogenomic testing in postnatal populations. Clinical assertions have been curated as described in Kaminsky et al. 2011.

GRCh38/hg38 7p22.1(chr7:5331115-6031221)x1

Genes: ACTB (actin beta; minus strand), AIMP2 (aminoacyl tRNA synthetase complex interacting multifunctional protein 2; plus strand), CCZ1 (CCZ1 vacuolar protein trafficking and biogenesis associated; plus strand), EIF2AK1 (eukaryotic translation initiation factor 2 alpha kinase 1; minus strand), FBXL18 (F-box and leucine rich repeat protein 18; minus strand) and 61 more. Cytogenetic location: 7p22.1.
Variant type: copy number loss.
Change: copy number 1 (one copy instead of two) of chr7:5,331,115-6,031,221 (700.1 kb, GRCh38 coordinates, 1-based), cytogenetic band 7p22.1.
Identifiers: ClinVar variation 58509 (VCV000058509.1).